The following is an entry in ClinVar:

NM_005146.5(SART1):c.2136C>T (p.Tyr712=)

Gene: SART1 (spliceosome associated factor 1, recruiter of U4/U6.U5 tri-snRNP; plus strand). Cytogenetic location: 11q13.1.
Variant type: single nucleotide variant.
Coding change: c.2136C>T on transcript NM_005146.5 (MANE Select); coding-DNA position 2136, C replaced by T.
Protein change: p.Tyr712=; no amino-acid change (tyrosine 712 retained).
Molecular consequence: synonymous variant.
Genome position (GRCh38, 1-based): chr11:65,977,863, C>T. VCF-style: chr11-65977863-C-T. GRCh37 (hg19) VCF-style: chr11-65745334-C-T.
Identifiers: ClinVar variation 4280923 (VCV004280923.7).

ClinVar aggregate classification (germline): Likely benign (1 of 4 stars; one submission).

gnomAD v4.1: 27 of 1,613,592 alleles (0.0017%); highest among the groups gnomAD compares: East Asian, 0.0022%; no homozygotes.

Submission:

CeGaT Center for Human Genetics Tuebingen
Classification: Likely benign. Last evaluated: 2025-09-01. Review status: criteria provided, single submitter. Criteria: CeGaT Center For Human Genetics Tuebingen Variant Classification Criteria Version 2. Collection method: clinical testing. Allele origin: germline. Affected: yes. Observed: 1 variant allele.
Comment: SART1: BP4, BP7